The following is an entry in ClinVar:

ClinVar aggregate classification (germline): Uncertain significance (1 of 4 stars; one submission).

Conditions:
Hereditary sensory and autonomic neuropathy type 6. Also called: Neuropathy, hereditary sensory and autonomic, type VI; HSAN VI. Identifiers: Orphanet 314381, MedGen C3539003, MONDO:0013839, OMIM 614653.
Epidermolysis bullosa simplex 3, localized or generalized intermediate, with BP230 deficiency (EBS3). Also called: Epidermolysis bullosa simplex, autosomal recessive 2; Epidermolysis bullosa simplex due to BP230 deficiency. Identifiers: Orphanet 412181, MedGen C3809470, MONDO:0014180, OMIM 615425.

gnomAD v4.1: 8 of 1,613,714 alleles (0.0005%); highest among the groups gnomAD compares: Non-Finnish European, 0.00068%; no homozygotes.

Submission:

Labcorp Genetics (formerly Invitae), Labcorp
Classification: Uncertain significance for Epidermolysis bullosa simplex 3, localized or generalized intermediate, with BP230 deficiency; Hereditary sensory and autonomic neuropathy type 6. Last evaluated: 2021-08-27. Review status: criteria provided, single submitter. Criteria: Invitae Variant Classification Sherloc (09022015). Collection method: clinical testing. Allele origin: germline.
Comment: This sequence change replaces alanine with glycine at codon 1455 of the DST protein (p.Ala1455Gly). The alanine residue is weakly conserved and there is a small physicochemical difference between alanine and glycine. This variant is not present in population databases (ExAC no frequency). This variant has not been reported in the literature in individuals affected with DST-related conditions. Algorithms developed to predict the effect of missense changes on protein structure and function are either unavailable or do not agree on the potential impact of this missense change (SIFT: "Deleterious"; PolyPhen-2: "Benign"; Align-GVGD: "Class C0"). In summary, the available evidence is currently insufficient to determine the role of this variant in disease. Therefore, it has been classified as a Variant of Uncertain Significance.

NM_001723.7(DST):c.4364C>G (p.Ala1455Gly)

Gene: DST (dystonin; minus strand). Cytogenetic location: 6p12.1.
Variant type: single nucleotide variant.
Coding change: c.4364C>G on transcript NM_001723.7 (MANE Plus Clinical); coding-DNA position 4364, C replaced by G.
Protein change: p.Ala1455Gly; replaces alanine 1455 with glycine.
Molecular consequence: missense variant. On other transcripts: intron variant (10).
Genome position (GRCh38, 1-based): chr6:56,619,670, G>C on the plus strand (C>G on the coding strand, the complement: DST is on the minus strand). VCF-style: chr6-56619670-G-C. GRCh37 (hg19) VCF-style: chr6-56484468-G-C.
Other names: c.4830+4860C>G (NM_001144769.5); c.4929+4860C>G (NM_001374722.1, NM_001374736.1); c.4956+4860C>G (NM_001374734.1); c.4416+4860C>G (NM_001144770.2); c.4296+4860C>G (NM_001374730.1, NM_001386100.1, NM_183380.4 and 1 more transcripts); c.3318+4860C>G (NM_015548.5); short protein forms A1455G.
Identifiers: ClinVar variation 1409971 (VCV001409971.5), dbSNP rs2152737734, ClinGen allele CA364569847.